The following is an entry in ClinVar:

NM_004360.5(CDH1):c.1009-17T>C

Gene: CDH1 (cadherin 1; plus strand). Cytogenetic location: 16q22.1.
Variant type: single nucleotide variant.
Coding change: c.1009-17T>C on transcript NM_004360.5 (MANE Select); 17 bases into the intron before coding-DNA position 1009, T replaced by C.
Molecular consequence: intron variant.
Genome position (GRCh38, 1-based): chr16:68,812,118, T>C. VCF-style: chr16-68812118-T-C. GRCh37 (hg19) VCF-style: chr16-68846021-T-C.
Other names: c.-607-17T>C (NM_001317185.2); c.-811-17T>C (NM_001317186.2); c.1009-17T>C (NM_001317184.2).
Identifiers: ClinVar variation 3379310 (VCV003379310.3).
Genomic context (GRCh38, chr16:68,812,118, plus strand): 5'-TCCATGTGTTGGGCTGGGCTAGGCCAAAGGTGGCTAGTGTTCCTGGTCCTGACTTGGTTG[T>C]GTCGATCTCTCTGCAGAGTTTCCCTACGTATACCCTGGTGGTTCAAGCTGCTGACCTTCA-3'

ClinVar aggregate classification (germline): Likely benign. Review status: criteria provided, multiple submitters, no conflicts (2 of 4 stars). 2 submissions from 2 submitters: Likely benign (2). Last evaluated 2025-03-03.

Conditions:
Hereditary diffuse gastric adenocarcinoma (HDGC). Also called: DIFFUSE GASTRIC AND LOBULAR BREAST CANCER SYNDROME. Identifiers: Orphanet 26106, MedGen C1708349, MONDO:0007648, OMIM 137215.

Submissions (2):

Labcorp Genetics (formerly Invitae), Labcorp
Classification: Likely benign for Hereditary diffuse gastric adenocarcinoma. Last evaluated: 2025-03-03. Review status: criteria provided, single submitter. Criteria: Invitae Variant Classification Sherloc (09022015). Collection method: clinical testing. Allele origin: germline.

Myriad Genetics, Inc.
Classification: Likely benign for Hereditary diffuse gastric adenocarcinoma. Last evaluated: 2024-09-17. Review status: criteria provided, single submitter. Criteria: Myriad Autosomal Dominant, Autosomal Recessive and X-Linked Classification Criteria (2023). Collection method: clinical testing. Allele origin: unknown.
Comment: This variant is considered likely benign. This variant is intronic and is not expected to impact mRNA splicing.